The following is an entry in ClinVar:

NM_001377137.1(GBF1):c.2225G>A (p.Arg742Gln)

Gene: GBF1 (golgi brefeldin A resistant guanine nucleotide exchange factor 1; plus strand). Cytogenetic location: 10q24.32.
Variant type: single nucleotide variant.
Coding change: c.2225G>A on transcript NM_001377137.1 (MANE Select); coding-DNA position 2225, G replaced by A.
Protein change: p.Arg742Gln; replaces arginine 742 with glutamine.
Molecular consequence: missense variant. On other transcripts: non-coding transcript variant (5).
Genome position (GRCh38, 1-based): chr10:102,365,515, G>A. VCF-style: chr10-102365515-G-A. GRCh37 (hg19) VCF-style: chr10-104125272-G-A.
Other names: c.1928G>A, p.Arg643Gln (NM_001377140.1, NM_001377139.1); c.2222G>A, p.Arg741Gln (NM_001377141.1, NM_001391924.1, NM_001391927.1 and 4 more transcripts); c.2321G>A, p.Arg774Gln (NM_001391922.1, NM_001411027.1); c.2225G>A, p.Arg742Gln (NM_001391923.1, NM_001199378.2); c.2186G>A, p.Arg729Gln (NM_001391925.1, NM_001377138.1); c.2189G>A, p.Arg730Gln (NM_001391926.1); c.2081G>A, p.Arg694Gln (NM_001391928.1); c.1844G>A, p.Arg615Gln (NM_001391931.1); and 1 more; short protein forms R643Q, R730Q, R742Q, R774Q, R729Q, R741Q, R615Q, R694Q.
Identifiers: ClinVar variation 2221217 (VCV002221217.4), dbSNP rs1289480368, ClinGen allele CA377854103.

ClinVar aggregate classification (germline): Uncertain significance. Review status: criteria provided, multiple submitters, no conflicts (2 of 4 stars). 2 submissions from 2 submitters: Uncertain significance (2). Last evaluated 2025-11-05.

Conditions:
Charcot-Marie-Tooth Disease, axonal, type 2GG (CMT2GG). Also called: Charcot-Marie-Tooth disease dominant intermediate II; Charcot-Marie-Tooth neuropathy, type 2GG; Charcot-Marie-Tooth neuropathy, axonal, type 2GG. Identifiers: Orphanet 100043, MedGen C5561933, MONDO:0011675, OMIM 606483.

Allele frequency attached by ClinVar (database versions not stated): gnomAD exomes 0.00001; TOPMed 0.00001.
gnomAD v4.1: 14 of 1,614,206 alleles (0.00087%); highest among the groups gnomAD compares: East Asian, 0.0022%; no homozygotes.

Submissions (2):

Dasa
Classification: Uncertain significance for Charcot-Marie-Tooth Disease, axonal, type 2GG. Last evaluated: 2025-11-05. Review status: criteria provided, single submitter. Criteria: DASA Assertion Criteria. Collection method: clinical testing. Allele origin: germline.
Comment: NM_001377137.1(GBF1):c.2225G>A (p.Arg742Gln) is a missense variant that results in the substitution of arginine with glutamine. This variant is rare in population databases. Computational prediction algorithms are consistent with a deleterious effect. The currently available literature and clinical evidence are not sufficient to establish a definitive association between this variant and the reported condition. Therefore, this variant is classified as a variant of uncertain significance.

Ambry Genetics
Classification: Uncertain significance. Last evaluated: 2022-11-07. Review status: criteria provided, single submitter. Criteria: Ambry Variant Classification Scheme 2023. Collection method: clinical testing. Allele origin: germline.